The following is an entry in ClinVar:

ClinVar aggregate classification (germline): Uncertain significance (1 of 4 stars; one submission).

Submission:

Dasa
Classification: Uncertain significance. Last evaluated: 2026-03-06. Review status: criteria provided, single submitter. Criteria: DASA Assertion Criteria. Collection method: clinical testing. Allele origin: germline.
Comment: NM_003660.4(PPFIA3):c.343-5T>G is a splice-region variant predicted to affect normal RNA splicing. This variant is absent from population databases. Computational prediction algorithms are consistent with a deleterious effect. The currently available literature and clinical evidence are not sufficient to establish a definitive association between this variant and the reported condition. Therefore, this variant is classified as a variant of uncertain significance.

NM_003660.4(PPFIA3):c.343-5T>G

Gene: PPFIA3 (PPFI scaffold protein A3; plus strand). Cytogenetic location: 19q13.33.
Variant type: single nucleotide variant.
Coding change: c.343-5T>G on transcript NM_003660.4 (MANE Select); 5 bases into the intron before coding-DNA position 343, T replaced by G.
Molecular consequence: intron variant.
Genome position (GRCh38, 1-based): chr19:49,128,843, T>G. VCF-style: chr19-49128843-T-G. GRCh37 (hg19) VCF-style: chr19-49632100-T-G.
Identifiers: ClinVar variation 4883570 (VCV004883570.2).
Genomic context (GRCh38, chr19:49,128,843, plus strand): 5'-CTTTTTCTCACATCTGCCCCTTTTCCCTTGCCTCTTTTCCTTGACCCCATGCCGTGTGCT[T>G]GCAGCTGCTCCTGGAACACCTGGAGTGCCTGGTGTCCAGGCACGAGAGGTCACTGCGCAT-3'